The following is an entry in ClinVar:

ClinVar aggregate classification (germline): Pathogenic/Likely pathogenic. Review status: criteria provided, multiple submitters, no conflicts (2 of 4 stars). 15 submissions from 15 submitters: Pathogenic (13); Likely pathogenic (1). 1 of the submissions does not count toward it. Last evaluated 2026-01-25.

Conditions:
Cardiac arrhythmia. Also called: Arrhythmia; Cardiac rhythm disease. Identifiers: MedGen C0003811, MONDO:0007263, HP:0011675.
Cardiovascular phenotype. Identifiers: MedGen CN230736.
KCNQ1-related disorder. Also called: KCNQ1-related condition; KCNQ1-related disorders. Identifiers: MedGen CN239322.
Familial long QT syndrome (RWS). Also called: Congenital long QT syndrome; Romano-Ward syndrome; VENTRICULAR FIBRILLATION WITH PROLONGED QT INTERVAL. Identifiers: Orphanet 768, MedGen C1141890, MONDO:0019171.
Long QT syndrome (LQTS). Identifiers: MedGen C0023976, MeSH D008133, MONDO:0002442. Disease mechanism: loss of function. Inheritance: Various modes of inheritance.
Short QT syndrome type 1. Identifiers: Orphanet 51083, MedGen C1865020, MONDO:0012312, OMIM 609620.
Long QT syndrome 1 (LQT1). Identifiers: Orphanet 101016, Orphanet 768, MedGen C4551647, MONDO:0100316, OMIM 192500, MONDO:0008646.

Allele frequency attached by ClinVar (database versions not stated): TOPMed below 0.00001; gnomAD 0.00001.
gnomAD v4.1: 1 of 1,612,410 alleles (0.000062%); highest among the groups gnomAD compares: Non-Finnish European, 0.000085%; no homozygotes.

Submissions 1 to 8 of 15:

Labcorp Genetics (formerly Invitae), Labcorp
Classification: Pathogenic for Long QT syndrome. Last evaluated: 2026-01-25. Review status: criteria provided, single submitter. Criteria: Invitae Variant Classification Sherloc (09022015). Collection method: clinical testing. Allele origin: germline.
Comment: This sequence change replaces arginine, which is basic and polar, with cysteine, which is neutral and slightly polar, at codon 231 of the KCNQ1 protein (p.Arg231Cys). This variant is present in population databases (rs199473457, gnomAD 0.007%). This missense change has been observed in individuals with KCNQ1-related conditions and long QT syndrome and/or atrial fibrillation (PMID: 12205790, 20850564, 22613981). It has also been observed to segregate with disease in related individuals. ClinVar contains an entry for this variant (Variation ID: 53086). Invitae Evidence Modeling of protein sequence and biophysical properties (such as structural, functional, and spatial information, amino acid conservation, physicochemical variation, residue mobility, and thermodynamic stability) indicates that this missense variant is expected to disrupt KCNQ1 protein function with a positive predictive value of 95%. Experimental studies have shown that this missense change affects KCNQ1 function (PMID: 19843919, 20850564, 22509038, 22613981). This variant disrupts the p.Arg231 amino acid residue in KCNQ1. Other variant(s) that disrupt this residue have been determined to be pathogenic (PMID: 16414944, 23350853, 24861447). This suggests that this residue is clinically significant, and that variants that disrupt this residue are likely to be disease-causing. For these reasons, this variant has been classified as Pathogenic.

Institute of Human Genetics, University of Leipzig Medical Center
Classification: Pathogenic for Short QT syndrome type 1. Last evaluated: 2025-12-19. Review status: criteria provided, single submitter. Criteria: ACMG Guidelines, 2015. Collection method: clinical testing. Allele origin: unknown. Inheritance: Autosomal dominant inheritance. Affected: yes.
Comment: Criteria applied: PS1_MOD,PS2_MOD,PS3_MOD,PS4_MOD,PM5,PM2_SUP,PP3

Molecular Diagnostic Laboratory for Inherited Cardiovascular Disease, Montreal Heart Institute
Classification: Pathogenic for Cardiovascular phenotype. Last evaluated: 2025-08-21. Review status: criteria provided, single submitter. Criteria: ACMG Guidelines, 2015. Collection method: clinical testing. Allele origin: germline. Affected: yes.
Comment: PS2, PS4, PM1_strong, PP1_strong, PS3_mod, PM2, PM5, PP2, PP3

Blueprint Genetics
Classification: Pathogenic for KCNQ1-related disorders. Last evaluated: 2024-10-10. Review status: criteria provided, single submitter. Criteria: ACMG Guidelines, 2015. Collection method: clinical testing. Allele origin: germline. Affected: yes. Observed: 5 variant alleles.

CeGaT Center for Human Genetics Tuebingen
Classification: Pathogenic. Last evaluated: 2024-07-01. Review status: criteria provided, single submitter. Criteria: CeGaT Center For Human Genetics Tuebingen Variant Classification Criteria Version 2. Collection method: clinical testing. Allele origin: germline. Affected: yes. Observed: 4 variant alleles.
Comment: KCNQ1: PP1:Strong, PM1, PM2, PM5, PS4:Moderate, PP3, PS3:Supporting

Ambry Genetics
Classification: Pathogenic for Cardiovascular phenotype. Last evaluated: 2024-06-13. Review status: criteria provided, single submitter. Criteria: Ambry Variant Classification Scheme 2023. Collection method: clinical testing. Allele origin: germline.
Comment: The p.R231C pathogenic mutation (also known as c.691C>T), located in coding exon 5 of the KCNQ1 gene, results from a C to T substitution at nucleotide position 691. The arginine at codon 231 is replaced by cysteine, an amino acid with highly dissimilar properties. This alteration has been reported in numerous individuals with long QT syndrome (LQTS) and/or atrial fibrillation (AF), and it has been shown to segregate with disease (Emeriaud G et al. Arch Pediatr 2002 Aug; 9(8):805-9; Lupoglazoff JM et al. J. Am. Coll. Cardiol. 2004 Mar; 43(5):826-30; Millat G et al. Clin. Genet. 2006 Sep; 70(3):214-27; Bartos DC et al. Heart Rhythm 2011 Jan; 8(1):48-55; Henrion U et al. Cell. Physiol. Biochem. 2012 May; 29(5-6):809-18; Knoche JW et al. Case Rep Pediatr 2012 Nov; 2012:124838). In one neonate, this alteration was described as a de novo alteration with confirmed paternity (Lupoglazoff JM et al. J. Am. Coll. Cardiol. 2004 Mar; 43(5):826-30). Multiple functional studies have also demonstrated that this variant alters KCNQ1 channel function (Rocheleau JM et al. J. Gen. Physiol. 2008 Jan; 131(1):59-68; Itoh H et al. Circ Arrhythm Electrophysiol 2009 Oct; 2(5):511-23; Osteen JD et al. Proc. Natl. Acad. Sci. U.S.A. 2012 May; 109(18):7103-8; Bartos DC et al. Heart Rhythm 2011 Jan; 8(1):48-55; Henrion U et al. Cell. Physiol. Biochem. 2012 May; 29(5-6):809-18). In addition, this alteration is predicted to be deleterious by in silico analysis. Based on the supporting evidence, this variant is interpreted as a disease-causing mutation.

3billion
Classification: Pathogenic for Long QT syndrome 1. Last evaluated: 2024-03-15. Review status: criteria provided, single submitter. Criteria: ACMG Guidelines, 2015. Collection method: clinical testing. Allele origin: germline. Affected: yes.
Comment: The variant is observed at an extremely low frequency in the gnomAD v2.1.1 dataset (total allele frequency: 0.003%). Predicted Consequence/Location: Missense variant Functional studies provide moderate evidence of the variant having a damaging effect on the gene or gene product (PMID: 33600800). In silico tool predictions suggest damaging effect of the variant on gene or gene product [REVEL: 0.97 (>=0.6, sensitivity 0.68 and specificity 0.92); 3Cnet: 1.00 (>=0.6, sensitivity 0.72 and precision 0.9)]. Same nucleotide change resulting in same amino acid change has been previously reported as pathogenic/likely pathogenic with strong evidence (ClinVar ID: VCV000053086 /PMID: 12205790). Different missense changes at the same codon (p.Arg231His, p.Arg231Leu, p.Arg231Ser) have been reported as pathogenic/likely pathogenic with strong evidence (ClinVar ID: VCV000053087, VCV000280173, VCV000519257 /PMID: 16414944 /3billion dataset). Therefore, this variant is classified as Pathogenic according to the recommendation of ACMG/AMP guideline.

All of Us Research Program, National Institutes of Health
Classification: Pathogenic for Long QT syndrome. Last evaluated: 2023-10-02. Review status: criteria provided, single submitter. Criteria: ACMG Guidelines, 2015. Collection method: clinical testing. Allele origin: germline. Inheritance: Autosomal dominant inheritance. Observed: 1 variant allele, 1 heterozygote.
Comment: This missense variant replaces arginine with cysteine at codon 231 of the KCNQ1 protein. This variant is found within a highly conserved region of the transmembrane domain S4 (a.a. 226-248). Rare nontruncating variants in this region have been shown to be significantly overrepresented in individuals with long QT syndrome (PMID: 32893267). Functional studies have shown that this variant causes constitutive channel activation and reduced current density after pulses relative to wildtype (PMID: 19843919, 20850564, 22509038, 33600800). This variant has been reported in over ten unrelated individuals affected with long QT syndrome and five individuals from two families affected with atrial fibrillation (PMID: 14998624, 15176425, 16922724, 19716085, 19843919, 20850564, 23193492, 36102233, 35911527). This variant has been reported to be a de novo occurrence in one of the probands (PMID: 14998624). It has been shown that this variant segregates with disease in multiple individuals from at least three of these families (PMID: 20850564, 23193492). This variant has been identified in 1/31342 chromosomes in the general population by the Genome Aggregation Database (gnomAD). Based on the available evidence, this variant is classified as Pathogenic.

This study involves interpretation of variants in research participants for the purpose of population health screening. Participant phenotype was not available at the time of variant classification. Additional details can be found in publication PMID: 35346344, PMCID: PMC8962531

NM_000218.3(KCNQ1):c.691C>T (p.Arg231Cys)

Gene: KCNQ1 (potassium voltage-gated channel subfamily Q member 1; plus strand). Cytogenetic location: 11p15.5.
Variant type: single nucleotide variant.
Coding change: c.691C>T on transcript NM_000218.3 (MANE Select); coding-DNA position 691, C replaced by T.
Protein change: p.Arg231Cys; replaces arginine 231 with cysteine.
Molecular consequence: missense variant.
Genome position (GRCh38, 1-based): chr11:2,572,020, C>T. VCF-style: chr11-2572020-C-T. GRCh37 (hg19) VCF-style: chr11-2593250-C-T.
Other names: p.R231C:CGC>TGC; c.691C>T (LRG_287t1); c.691C>T, p.Arg231Cys (NM_001406836.1); c.421C>T, p.Arg141Cys (NM_001406837.1); c.310C>T, p.Arg104Cys (NM_181798.2); short protein forms R231C, R104C, R141C.
Identifiers: ClinVar variation 53086 (VCV000053086.57), dbSNP rs199473457, ClinGen allele CA007919.